The following is an entry in ClinVar:

NM_206933.4(USH2A):c.13812-1G>A

Gene: USH2A (usherin; minus strand). Cytogenetic location: 1q41.
Variant type: single nucleotide variant.
Coding change: c.13812-1G>A on transcript NM_206933.4 (MANE Select); the canonical splice acceptor site of the intron before coding-DNA position 13812, G replaced by A.
Molecular consequence: splice acceptor variant.
Genome position (GRCh38, 1-based): chr1:215,671,294, C>T on the plus strand (G>A on the coding strand, the complement: USH2A is on the minus strand). VCF-style: chr1-215671294-C-T. GRCh37 (hg19) VCF-style: chr1-215844636-C-T.
Identifiers: ClinVar variation 549942 (VCV000549942.11), dbSNP rs199782530, ClinGen allele CA37410313.
Genomic context (GRCh38, chr1:215,671,294, plus strand): 5'-AATGTCCAGTCACTTGATGCACATCCCAGGGTGGTGCACGCTTGAATTCGTATTTCATAC[C>T]TTCAGGACATAAGGCAGAAATTAGTGATTTTCAGCAAAATAGATTTTCATGGGAAGAATC-3'

ClinVar aggregate classification (germline): Pathogenic/Likely pathogenic. Review status: criteria provided, multiple submitters, no conflicts (2 of 4 stars). 6 submissions from 5 submitters: Pathogenic (2); Likely pathogenic (3). 1 of the submissions does not count toward it. Last evaluated 2024-03-28.

Conditions:
Retinal dystrophy. Also called: Inherited retinal dystrophy. Identifiers: Orphanet 71862, MedGen C0854723, MeSH D058499, MONDO:0019118, HP:0000556.
Retinitis pigmentosa 39 (RP39). Identifiers: Orphanet 791, MedGen C3151138, MONDO:0013436, OMIM 613809.
Usher syndrome type 2A. Also called: USHER SYNDROME, TYPE IIA; RETINAL DISEASE IN USHER SYNDROME TYPE IIA, MODIFIER OF. Identifiers: Orphanet 231178, Orphanet 886, MedGen C1848634, MONDO:0010169, OMIM 276901.

Allele frequency attached by ClinVar (database versions not stated): gnomAD exomes below 0.00001.
gnomAD v4.1: 2 of 1,613,756 alleles (0.00012%); highest among the groups gnomAD compares: South Asian, 0.0011%; no homozygotes.

Submissions (6):

Fulgent Genetics
Classification: Likely pathogenic for Usher syndrome type 2A; Retinitis pigmentosa 39. Last evaluated: 2024-03-28. Review status: criteria provided, single submitter. Criteria: ACMG Guidelines, 2015. Collection method: clinical testing. Allele origin: germline.

Genome-Nilou Lab
Classification: Likely pathogenic for Retinitis pigmentosa 39. Last evaluated: 2023-04-11. Review status: criteria provided, single submitter. Criteria: ACMG Guidelines, 2015. Collection method: clinical testing. Allele origin: germline. Affected: no.

Genome-Nilou Lab
Classification: Likely pathogenic for Usher syndrome type 2A. Last evaluated: 2023-04-11. Review status: criteria provided, single submitter. Criteria: ACMG Guidelines, 2015. Collection method: clinical testing. Allele origin: germline. Affected: no.

Labcorp Genetics (formerly Invitae), Labcorp
Classification: Pathogenic. Last evaluated: 2022-02-25. Review status: criteria provided, single submitter. Criteria: Invitae Variant Classification Sherloc (09022015). Collection method: clinical testing. Allele origin: germline.
Comment: This sequence change affects an acceptor splice site in intron 63 of the USH2A gene. It is expected to disrupt RNA splicing. Variants that disrupt the donor or acceptor splice site typically lead to a loss of protein function (PMID: 16199547), and loss-of-function variants in USH2A are known to be pathogenic (PMID: 10729113, 10909849, 20507924, 25649381). For these reasons, this variant has been classified as Pathogenic. Algorithms developed to predict the effect of sequence changes on RNA splicing suggest that this variant may disrupt the consensus splice site. ClinVar contains an entry for this variant (Variation ID: 549942). Disruption of this splice site has been observed in individual(s) with clinical features of Usher syndrome (Invitae). In at least one individual the data is consistent with being in trans (on the opposite chromosome) from a pathogenic variant. This variant is present in population databases (rs199782530, gnomAD 0.0009%).

Institute of Human Genetics, Univ. Regensburg, Univ. Regensburg
Classification: Pathogenic for Retinal dystrophy. Last evaluated: 2020-01-01. Review status: criteria provided, single submitter. Criteria: ACMG Guidelines, 2015. Collection method: clinical testing. Allele origin: germline. Affected: yes.

Counsyl
Classification: Likely pathogenic for Usher syndrome type 2A; Retinitis pigmentosa 39. Last evaluated: 2018-05-15. Review status: no assertion criteria provided. Collection method: clinical testing. Allele origin: unknown. Not counted in ClinVar's aggregate classification.

Literature cited by the submitters: PubMed 16199547 (cited by Labcorp Genetics (formerly Invitae), Labcorp); PubMed 10729113 (cited by Labcorp Genetics (formerly Invitae), Labcorp); PubMed 10909849 (cited by Labcorp Genetics (formerly Invitae), Labcorp); PubMed 20507924 (cited by Labcorp Genetics (formerly Invitae), Labcorp); PubMed 25649381 (cited by Labcorp Genetics (formerly Invitae), Labcorp); PubMed 31964843 (cited by Institute of Human Genetics, Univ. Regensburg, Univ. Regensburg).